The following is an entry in ClinVar:

ClinVar aggregate classification (germline): Uncertain significance (1 of 4 stars; one submission).

Conditions:
Inborn genetic diseases. Identifiers: MedGen C0950123, MeSH D030342.

gnomAD v4.1: 1 of 1,613,694 alleles (0.000062%); highest among the groups gnomAD compares: East Asian, 0.0022%; no homozygotes.

Submission:

Ambry Genetics
Classification: Uncertain significance for Inborn genetic diseases. Last evaluated: 2025-10-05. Review status: criteria provided, single submitter. Criteria: Ambry Variant Classification Scheme 2023. Collection method: clinical testing. Allele origin: germline.
Comment: The p.A1162E variant (also known as c.3485C>A), located in coding exon 1 of the SAMD9 gene, results from a C to A substitution at nucleotide position 3485. The alanine at codon 1162 is replaced by glutamic acid, an amino acid with dissimilar properties. This amino acid position is conserved. In addition, the in silico prediction for this alteration is inconclusive. Based on the available evidence, the clinical significance of this variant remains unclear.

NM_017654.4(SAMD9):c.3485C>A (p.Ala1162Glu)

Gene: SAMD9 (sterile alpha motif domain containing 9; minus strand). Cytogenetic location: 7q21.2.
Variant type: single nucleotide variant.
Coding change: c.3485C>A on transcript NM_017654.4 (MANE Select); coding-DNA position 3485, C replaced by A.
Protein change: p.Ala1162Glu; replaces alanine 1162 with glutamic acid.
Molecular consequence: missense variant.
Genome position (GRCh38, 1-based): chr7:93,102,613, G>T on the plus strand (C>A on the coding strand, the complement: SAMD9 is on the minus strand). VCF-style: chr7-93102613-G-T. GRCh37 (hg19) VCF-style: chr7-92731926-G-T.
Other names: c.3485C>A, p.Ala1162Glu (NM_001193307.2); short protein forms A1162E.
Identifiers: ClinVar variation 4629848 (VCV004629848.1).
Genomic context (GRCh38, chr7:93,102,613, plus strand): 5'-TACAATCTTTCCTTCACTTCATACTCTCTATCTTCACTTTGCTGTTGAGATTCTTTGAAT[G>T]CACTTGAGGCATGTTCTGCTAAATCCAAAAGAGCAATTAGATCATCAACTGAAATGTTCC-3'
Protein context (NP_060124.2, residues 1152-1172): LLDLAEHASS[Ala1162Glu]FKESQQQSED